The following is an entry in ClinVar:

NM_001267550.2(TTN):c.4641G>T (p.Val1547=)

Genes: TTN (titin; minus strand), LOC101927055 (uncharacterized LOC101927055; plus strand). Cytogenetic location: 2q31.2.
Variant type: single nucleotide variant.
Coding change: c.4641G>T on transcript NM_001267550.2 (MANE Select); coding-DNA position 4641, G replaced by T.
Protein change: p.Val1547=; no amino-acid change (valine 1547 retained).
Molecular consequence: synonymous variant. On other transcripts: non-coding transcript variant (1).
Genome position (GRCh38, 1-based): chr2:178,777,424, C>A on the plus strand (G>T on the coding strand, the complement: TTN is on the minus strand). VCF-style: chr2-178777424-C-A. GRCh37 (hg19) VCF-style: chr2-179642151-C-A.
Other names: c.4641G>T, p.Val1547= (NM_001256850.1, NM_133378.4, NM_133379.5); c.4503G>T, p.Val1501= (NM_003319.4, NM_133432.3, NM_133437.4).
Identifiers: ClinVar variation 500608 (VCV000500608.10), dbSNP rs1012929202, ClinGen allele CA60978325.

ClinVar aggregate classification (germline): Conflicting classifications of pathogenicity. Review status: criteria provided, conflicting classifications (1 of 4 stars). 4 submissions from 4 submitters: Uncertain significance (1); Likely benign (3). Last evaluated 2025-10-07.

Conditions:
Autosomal recessive limb-girdle muscular dystrophy type 2J (LGMDR10). Also called: MUSCULAR DYSTROPHY, LIMB-GIRDLE, AUTOSOMAL RECESSIVE 10; Limb-girdle muscular dystrophy, type 2J. Identifiers: Orphanet 140922, MedGen C1837342, MONDO:0012127, OMIM 608807.
Dilated cardiomyopathy 1G (CMD1G). Identifiers: Orphanet 154, MedGen C1858763, MONDO:0011400, OMIM 604145.
Cardiovascular phenotype. Identifiers: MedGen CN230736.

Allele frequency attached by ClinVar (database versions not stated): gnomAD exomes below 0.00001; gnomAD 0.00001; TOPMed 0.00002.
gnomAD v4.1: 3 of 1,613,346 alleles (0.00019%); highest among the groups gnomAD compares: Non-Finnish European, 0.00025%; no homozygotes.

Submissions (4):

Labcorp Genetics (formerly Invitae), Labcorp
Classification: Likely benign for Dilated cardiomyopathy 1G; Autosomal recessive limb-girdle muscular dystrophy type 2J. Last evaluated: 2025-10-07. Review status: criteria provided, single submitter. Criteria: Invitae Variant Classification Sherloc (09022015). Collection method: clinical testing. Allele origin: germline.

Ambry Genetics
Classification: Likely benign for Cardiovascular phenotype. Last evaluated: 2022-08-08. Review status: criteria provided, single submitter. Criteria: Ambry Variant Classification Scheme 2023. Collection method: clinical testing. Allele origin: germline.

GeneDx
Classification: Likely benign. Last evaluated: 2017-12-11. Review status: criteria provided, single submitter. Criteria: GeneDx Variant Classification (06012015). Collection method: clinical testing. Allele origin: germline. Affected: yes.
Comment: This variant is considered likely benign or benign based on one or more of the following criteria: it is a conservative change, it occurs at a poorly conserved position in the protein, it is predicted to be benign by multiple in silico algorithms, and/or has population frequency not consistent with disease.

Eurofins Ntd Llc (ga)
Classification: Uncertain significance. Last evaluated: 2017-02-28. Review status: criteria provided, single submitter. Criteria: EGL Classification Definitions 2015. Collection method: clinical testing. Allele origin: germline. Observed: 1 variant allele, 1 heterozygote.